The following is an entry in ClinVar:

ClinVar aggregate classification (germline): Pathogenic (1 of 4 stars; one submission).

Conditions:
Arrhythmogenic right ventricular dysplasia 9 (ARVD9). Also called: Arrhythmogenic Right Ventricular Dysplasia/Cardiomyopathy 9; ARRHYTHMOGENIC RIGHT VENTRICULAR DYSPLASIA, FAMILIAL, 9. Identifiers: MedGen C1836906, MONDO:0012180, OMIM 609040.

Allele frequency attached by ClinVar (database versions not stated): gnomAD exomes below 0.00001.

Submission:

Labcorp Genetics (formerly Invitae), Labcorp
Classification: Pathogenic for Arrhythmogenic right ventricular dysplasia 9. Last evaluated: 2022-07-25. Review status: criteria provided, single submitter. Criteria: Invitae Variant Classification Sherloc (09022015). Collection method: clinical testing. Allele origin: germline.
Comment: This sequence change creates a premature translational stop signal (p.Arg577Aspfs*5) in the PKP2 gene. It is expected to result in an absent or disrupted protein product. Loss-of-function variants in PKP2 are known to be pathogenic (PMID: 15489853, 23911551). This variant is not present in population databases (gnomAD no frequency). This premature translational stop signal has been observed in individuals with arrhythmogenic right ventricular cardiomyopathy (PMID: 16799251, 22214898, 23514727). ClinVar contains an entry for this variant (Variation ID: 406551). For these reasons, this variant has been classified as Pathogenic.

Literature cited by the submitters: PubMed 15489853; PubMed 23911551; PubMed 16799251; PubMed 22214898; PubMed 23514727.

NM_001005242.3(PKP2):c.1593_1596dup (p.Arg533fs)

Gene: PKP2 (plakophilin 2; minus strand). Cytogenetic location: 12p11.21.
Variant type: Duplication.
Coding change: c.1593_1596dup on transcript NM_001005242.3 (MANE Select); coding-DNA positions 1593 to 1596, 4 bases duplicated (GATG; older notation c.1593_1596dupGATG).
Protein change: p.Arg533fs; shifts the reading frame from arginine 533.
Molecular consequence: frameshift variant.
Genome position (GRCh38, 1-based): chr12:32,824,123-32,824,126, CATC duplicated on the plus strand (GATG on the coding strand, the reverse complement: PKP2 is on the minus strand). VCF-style (leftmost placement, unchanged base first): chr12-32824122-T-TCATC. GRCh37 (hg19) VCF-style: chr12-32977056-T-TCATC.
Other names: c.1725_1728dup, p.Arg577fs (NM_004572.4); c.1725_1728dupGATG (NM_004572.3); short protein forms R577fs, R533fs.
Identifiers: ClinVar variation 406551 (VCV000406551.8), dbSNP rs1555143134, ClinGen allele CA16614128.